The following is an entry in ClinVar:

NM_000492.4(CFTR):c.1536T>A (p.Tyr512Ter)

Genes: CFTR (CF transmembrane conductance regulator; plus strand), CFTR-AS1 (CFTR antisense RNA 1; minus strand). Cytogenetic location: 7q31.2.
Variant type: single nucleotide variant.
Coding change: c.1536T>A on transcript NM_000492.4 (MANE Select); coding-DNA position 1536, T replaced by A.
Protein change: p.Tyr512Ter; replaces tyrosine 512 with a stop codon.
Molecular consequence: nonsense.
Genome position (GRCh38, 1-based): chr7:117,559,607, T>A. VCF-style: chr7-117559607-T-A. GRCh37 (hg19) VCF-style: chr7-117199661-T-A.
Other names: short protein forms Y512*.
Identifiers: ClinVar variation 4818477 (VCV004818477.1).

ClinVar aggregate classification (germline): Likely pathogenic (1 of 4 stars; one submission).

Conditions:
CFTR-related disorder (CFTR-RD). Also called: CFTR-related disorders; CFTR-related condition. Identifiers: MedGen C5924204, MONDO:7770004.

Submission:

Natera, Inc.
Classification: Likely pathogenic for CFTR-related disorders. Last evaluated: 2025-08-10. Review status: criteria provided, single submitter. Criteria: Natera Variant Classification Schema (03/2026). Collection method: clinical testing. Allele origin: germline.
Comment: The c.1536T>A variant in CFTR is a nonsense variant predicted to introduce a stop codon at amino acid 512. This variant is expected to result in nonsense mediated decay, truncation, or a dysfunctional protein product. This variant is rare in the general population with a frequency below the threshold expected for the associated phenotype(s). Given the available evidence, this variant is classified as Likely Pathogenic.